The following is an entry in ClinVar:

NM_001357.5(DHX9):c.2223T>C (p.Ala741=)

Gene: DHX9 (DExH-box helicase 9; plus strand). Cytogenetic location: 1q25.3.
Variant type: single nucleotide variant.
Coding change: c.2223T>C on transcript NM_001357.5 (MANE Select); coding-DNA position 2223, T replaced by C.
Protein change: p.Ala741=; no amino-acid change (alanine 741 retained).
Molecular consequence: synonymous variant. On other transcripts: non-coding transcript variant (1).
Genome position (GRCh38, 1-based): chr1:182,878,045, T>C. VCF-style: chr1-182878045-T-C. GRCh37 (hg19) VCF-style: chr1-182847180-T-C.
Identifiers: ClinVar variation 5039792 (VCV005039792.1).

ClinVar aggregate classification (germline): Likely benign (1 of 4 stars; one submission).

gnomAD v4.1: 2 of 1,614,190 alleles (0.00012%); highest among the groups gnomAD compares: South Asian, 0.0011%; no homozygotes.

Submission:

CeGaT Center for Human Genetics Tuebingen
Classification: Likely benign. Last evaluated: 2026-08-01. Review status: criteria provided, single submitter. Criteria: CeGaT Center For Human Genetics Tuebingen Variant Classification Criteria Version 2. Collection method: clinical testing. Allele origin: germline. Affected: yes. Observed: 1 variant allele.
Comment: DHX9: BP4, BP7